The following is an entry in ClinVar:

NM_001085458.2(CTNND1):c.1088G>A (p.Trp363Ter)

Genes: CTNND1 (catenin delta 1; plus strand), TMX2-CTNND1 (TMX2-CTNND1 readthrough (NMD candidate); plus strand). Cytogenetic location: 11q12.1.
Variant type: single nucleotide variant.
Coding change: c.1088G>A on transcript NM_001085458.2 (MANE Select); coding-DNA position 1088, G replaced by A.
Protein change: p.Trp363Ter; replaces tryptophan 363 with a stop codon.
Molecular consequence: nonsense. On other transcripts: non-coding transcript variant (1).
Genome position (GRCh38, 1-based): chr11:57,801,864, G>A. VCF-style: chr11-57801864-G-A. GRCh37 (hg19) VCF-style: chr11-57569336-G-A.
Other names: c.1088G>A, p.Trp363Ter (NM_001085459.2, NM_001085460.2, NM_001085461.2 and 3 more transcripts); c.785G>A, p.Trp262Ter (NM_001085463.2, NM_001085464.2, NM_001085465.2 and 5 more transcripts); c.926G>A, p.Trp309Ter (NM_001206883.2, NM_001206884.2, NM_001206886.2 and 4 more transcripts); short protein forms W363*, W262*, W309*.
Identifiers: ClinVar variation 523857 (VCV000523857.6), dbSNP rs1555057567, ClinGen allele CA380725524.

ClinVar aggregate classification (germline): Pathogenic (1 of 4 stars; one submission).

Submission:

GeneDx
Classification: Pathogenic. Last evaluated: 2025-06-25. Review status: criteria provided, single submitter. Criteria: GeneDx Variant Classification Process June 2021. Collection method: clinical testing. Allele origin: germline. Affected: yes.
Comment: Nonsense variant predicted to result in protein truncation or nonsense mediated decay in a gene for which loss of function is a known mechanism of disease; Not observed at significant frequency in large population cohorts (gnomAD); Has not been previously published as pathogenic or benign to our knowledge